The following is an entry in ClinVar:

ClinVar aggregate classification (germline): Uncertain significance (1 of 4 stars; one submission).

Conditions:
Aortic valve disease 2 (AOVD2). Identifiers: MedGen C3542024, MONDO:0013902, OMIM 614823.

gnomAD v4.1: 2 of 1,611,238 alleles (0.00012%); highest among the groups gnomAD compares: East Asian, 0.0022%; no homozygotes.

Submission:

Labcorp Genetics (formerly Invitae), Labcorp
Classification: Uncertain significance for Aortic valve disease 2. Last evaluated: 2025-04-13. Review status: criteria provided, single submitter. Criteria: Invitae Variant Classification Sherloc (09022015). Collection method: clinical testing. Allele origin: germline.
Comment: This sequence change affects an acceptor splice site in intron 2 of the SMAD6 gene. It is expected to disrupt RNA splicing. Variants that disrupt the donor or acceptor splice site typically lead to a loss of protein function (PMID: 16199547), however the current clinical and genetic evidence is not sufficient to establish whether loss-of-function variants in SMAD6 cause disease. This variant is present in population databases (rs768925483, gnomAD 0.006%). This variant has not been reported in the literature in individuals affected with SMAD6-related conditions. Algorithms developed to predict the effect of sequence changes on RNA splicing suggest that this variant may disrupt the consensus splice site. In summary, the available evidence is currently insufficient to determine the role of this variant in disease. Therefore, it has been classified as a Variant of Uncertain Significance.

Literature cited by the submitters: PubMed 16199547.

NM_005585.5(SMAD6):c.875-1G>T

Gene: SMAD6 (SMAD family member 6; plus strand). Cytogenetic location: 15q22.31.
Variant type: single nucleotide variant.
Coding change: c.875-1G>T on transcript NM_005585.5 (MANE Select); the canonical splice acceptor site of the intron before coding-DNA position 875, G replaced by T.
Molecular consequence: splice acceptor variant.
Genome position (GRCh38, 1-based): chr15:66,716,420, G>T. VCF-style: chr15-66716420-G-T. GRCh37 (hg19) VCF-style: chr15-67008758-G-T.
Identifiers: ClinVar variation 4707855 (VCV004707855.1).